The following is an entry in ClinVar:

ClinVar aggregate classification (germline): Conflicting classifications of pathogenicity. Review status: criteria provided, conflicting classifications (1 of 4 stars). 3 submissions from 3 submitters: Uncertain significance (2); Benign (1). Last evaluated 2025-12-26.

Conditions:
Hereditary cancer-predisposing syndrome. Also called: Hereditary Cancer Syndrome; Neoplastic Syndromes, Hereditary; Hereditary neoplastic syndrome; Tumor predisposition. Identifiers: Orphanet 140162, MedGen C0027672, MeSH D009386, MONDO:0015356.
Cardiovascular phenotype. Identifiers: MedGen CN230736.
Neurofibromatosis, type 1 (NF1). Also called: Peripheral type neurofibromatosis; Neurofibromatosis, type I; NEUROFIBROMATOSIS, TYPE I, SOMATIC; VON RECKLINGHAUSEN DISEASE. Identifiers: Orphanet 636, MedGen C0027831, MONDO:0018975, OMIM 162200. Disease mechanism: loss of function.

Allele frequency attached by ClinVar (database versions not stated): gnomAD exomes below 0.00001.
gnomAD v4.1: 1 of 1,613,836 alleles (0.000062%); highest among the groups gnomAD compares: Admixed American, 0.0017%; no homozygotes.

Submissions (3):

Labcorp Genetics (formerly Invitae), Labcorp
Classification: Benign for Neurofibromatosis, type 1. Last evaluated: 2025-12-26. Review status: criteria provided, single submitter. Criteria: Invitae Variant Classification Sherloc (09022015). Collection method: clinical testing. Allele origin: germline.

Ambry Genetics
Classification: Uncertain significance for Cardiovascular phenotype; Hereditary cancer-predisposing syndrome. Last evaluated: 2023-12-05. Review status: criteria provided, single submitter. Criteria: Ambry Variant Classification Scheme 2023. Collection method: clinical testing. Allele origin: germline.
Comment: The p.E785K variant (also known as c.2353G>A), located in coding exon 20 of the NF1 gene, results from a G to A substitution at nucleotide position 2353. The glutamic acid at codon 785 is replaced by lysine, an amino acid with similar properties. This amino acid position is well conserved in available vertebrate species. In addition, the in silico prediction for this alteration is inconclusive. Since supporting evidence is limited at this time, the clinical significance of this alteration remains unclear.

Genome-Nilou Lab
Classification: Uncertain significance for Neurofibromatosis, type 1. Last evaluated: 2022-03-15. Review status: criteria provided, single submitter. Criteria: ACMG Guidelines, 2015. Collection method: clinical testing. Allele origin: germline. Affected: no.

NM_001042492.3(NF1):c.2353G>A (p.Glu785Lys)

Gene: NF1 (neurofibromin 1; plus strand). Cytogenetic location: 17q11.2.
Variant type: single nucleotide variant.
Coding change: c.2353G>A on transcript NM_001042492.3 (MANE Select); coding-DNA position 2353, G replaced by A.
Protein change: p.Glu785Lys; replaces glutamic acid 785 with lysine.
Molecular consequence: missense variant.
Genome position (GRCh38, 1-based): chr17:31,227,550, G>A. VCF-style: chr17-31227550-G-A. GRCh37 (hg19) VCF-style: chr17-29554568-G-A.
Other names: c.2353G>A, p.Glu785Lys (NM_000267.4); short protein forms E785K.
Identifiers: ClinVar variation 821065 (VCV000821065.10), dbSNP rs1597713756, ClinGen allele CA398983110.